The following is an entry in ClinVar:

ClinVar aggregate classification (germline): Uncertain significance (1 of 4 stars; one submission).

Conditions:
Epidermolysis bullosa simplex 3, localized or generalized intermediate, with BP230 deficiency (EBS3). Also called: Epidermolysis bullosa simplex, autosomal recessive 2; Epidermolysis bullosa simplex due to BP230 deficiency. Identifiers: Orphanet 412181, MedGen C3809470, MONDO:0014180, OMIM 615425.
Hereditary sensory and autonomic neuropathy type 6. Also called: Neuropathy, hereditary sensory and autonomic, type VI; HSAN VI. Identifiers: Orphanet 314381, MedGen C3539003, MONDO:0013839, OMIM 614653.

Allele frequency attached by ClinVar (database versions not stated): TOPMed below 0.00001.

Submission:

Labcorp Genetics (formerly Invitae), Labcorp
Classification: Uncertain significance for Epidermolysis bullosa simplex 3, localized or generalized intermediate, with BP230 deficiency; Hereditary sensory and autonomic neuropathy type 6. Last evaluated: 2020-10-01. Review status: criteria provided, single submitter. Criteria: Invitae Variant Classification Sherloc (09022015). Collection method: clinical testing. Allele origin: germline.
Comment: In summary, the available evidence is currently insufficient to determine the role of this variant in disease. Therefore, it has been classified as a Variant of Uncertain Significance. Experimental studies and prediction algorithms are not available or were not evaluated, and the functional significance of this variant is currently unknown. This variant has not been reported in the literature in individuals with DST-related conditions. This variant is not present in population databases (ExAC no frequency). This sequence change replaces leucine with phenylalanine at codon 4642 of the DST protein (p.Leu4642Phe). The leucine residue is highly conserved and there is a small physicochemical difference between the two amino acids. The DST gene has multiple clinically relevant transcripts. This variant occurs in alternate transcript NM_015548.4, and corresponds to NM_001723.5:c.*139297C>T in the primary transcript.

NM_001374736.1(DST):c.21793C>T (p.Leu7265Phe)

Gene: DST (dystonin; minus strand). Cytogenetic location: 6p12.1.
Variant type: single nucleotide variant.
Coding change: c.21793C>T on transcript NM_001374736.1 (MANE Select); coding-DNA position 21793, C replaced by T.
Protein change: p.Leu7265Phe; replaces leucine 7265 with phenylalanine.
Molecular consequence: missense variant.
Genome position (GRCh38, 1-based): chr6:56,476,220, G>A on the plus strand (C>T on the coding strand, the complement: DST is on the minus strand). VCF-style: chr6-56476220-G-A. GRCh37 (hg19) VCF-style: chr6-56341018-G-A.
Other names: c.15436C>T, p.Leu5146Phe (NM_001144769.5); c.15022C>T, p.Leu5008Phe (NM_001144770.2); c.21793C>T, p.Leu7265Phe (NM_001374722.1); c.20833C>T, p.Leu6945Phe (NM_001374729.1); c.14575C>T, p.Leu4859Phe (NM_001374730.1); c.21820C>T, p.Leu7274Phe (NM_001374734.1); c.14902C>T, p.Leu4968Phe (NM_001386100.1, NM_183380.4); c.13924C>T, p.Leu4642Phe (NM_015548.5); short protein forms L4642F, L5008F, L7265F, L4968F, L7274F, L4859F, L5146F, L6945F.
Identifiers: ClinVar variation 1041403 (VCV001041403.7), dbSNP rs1757751702, ClinGen allele CA364510290.